The following is an entry in ClinVar:

ClinVar aggregate classification (germline): Likely pathogenic (1 of 4 stars; one submission).

Conditions:
Autosomal recessive nonsyndromic hearing loss 77. Identifiers: Orphanet 90636, MedGen C2746083, MONDO:0013119, OMIM 613079.

gnomAD v4.1: 1 of 1,551,642 alleles (0.000064%); highest among the groups gnomAD compares: African/African-American, 0.0014%; no homozygotes.

Submission:

Natera, Inc.
Classification: Likely pathogenic for Autosomal recessive deafness type 77. Last evaluated: 2024-03-06. Review status: criteria provided, single submitter. Criteria: Natera Variant Classification Schema (03/2026). Collection method: clinical testing. Allele origin: germline.
Comment: The c.4770C>A variant in LOXHD1 is a nonsense variant predicted to introduce a stop codon at amino acid 1590. This variant is expected to result in nonsense mediated decay, truncation, or a dysfunctional protein product. This variant is rare in the general population with a frequency below the threshold expected for the associated phenotype(s). Given the available evidence, this variant is classified as Likely Pathogenic.

NM_001384474.1(LOXHD1):c.4770C>A (p.Cys1590Ter)

Gene: LOXHD1 (lipoxygenase homology PLAT domains 1; minus strand). Cytogenetic location: 18q21.1.
Variant type: single nucleotide variant.
Coding change: c.4770C>A on transcript NM_001384474.1 (MANE Select); coding-DNA position 4770, C replaced by A.
Protein change: p.Cys1590Ter; replaces cysteine 1590 with a stop codon.
Molecular consequence: nonsense.
Genome position (GRCh38, 1-based): chr18:46,524,572, G>T on the plus strand (C>A on the coding strand, the complement: LOXHD1 is on the minus strand). VCF-style: chr18-46524572-G-T. GRCh37 (hg19) VCF-style: chr18-44104535-G-T.
Other names: c.1437C>A, p.Cys479Ter (NM_001145472.3); c.1149C>A, p.Cys383Ter (NM_001308013.2); c.4770C>A, p.Cys1590Ter (NM_144612.7); short protein forms C1590*, C383*, C479*.
Identifiers: ClinVar variation 4816828 (VCV004816828.1).
Genomic context (GRCh38, chr18:46,524,572, plus strand): 5'-GATGTCGACATCGGCCATCTTGGAGCTCAGGGCGATCTCCCAGAAGTCAGCAGGGCTGCT[G>T]CAGTTGCTGCTGCGGTCCCCAGTGTACTCCTGTGTGGGAGAGCAGGACTGGCAGTTGCAG-3'